The following is an entry in ClinVar:

ClinVar aggregate classification (germline): Uncertain significance (1 of 4 stars; one submission).

Conditions:
Xanthinuria type II. Also called: Xanthine dehydrogenase and aldehyde oxidase combined deficiency of; XDH and AOX dual deficiency. Identifiers: Orphanet 3467, Orphanet 93602, MedGen C1863688, MONDO:0011346, OMIM 603592.

Allele frequency attached by ClinVar (database versions not stated): ExAC 0.00001; gnomAD 0.00001; gnomAD exomes 0.00001; TOPMed 0.00001.
gnomAD v4.1: 11 of 1,608,400 alleles (0.00068%); highest among the groups gnomAD compares: South Asian, 0.0044%; no homozygotes.

Submission:

Labcorp Genetics (formerly Invitae), Labcorp
Classification: Uncertain significance for Xanthinuria type II. Last evaluated: 2025-10-14. Review status: criteria provided, single submitter. Criteria: Invitae Variant Classification Sherloc (09022015). Collection method: clinical testing. Allele origin: germline.
Comment: This sequence change falls in intron 14 of the MOCOS gene. It does not directly change the encoded amino acid sequence of the MOCOS protein. It affects a nucleotide within the consensus splice site. This variant is present in population databases (rs747247263, gnomAD 0.003%). This variant has not been reported in the literature in individuals affected with MOCOS-related conditions. ClinVar contains an entry for this variant (Variation ID: 2426177). Variants that disrupt the consensus splice site are a relatively common cause of aberrant splicing (PMID: 17576681, 9536098). Algorithms developed to predict the effect of sequence changes on RNA splicing suggest that this variant is not likely to affect RNA splicing. In summary, the available evidence is currently insufficient to determine the role of this variant in disease. Therefore, it has been classified as a Variant of Uncertain Significance.

Literature cited by the submitters: PubMed 17576681; PubMed 9536098.

NM_017947.4(MOCOS):c.2514+6C>T

Gene: MOCOS (molybdenum cofactor sulfurase; plus strand). Cytogenetic location: 18q12.2.
Variant type: single nucleotide variant.
Coding change: c.2514+6C>T on transcript NM_017947.4 (MANE Select); 6 bases into the intron after coding-DNA position 2514, C replaced by T.
Molecular consequence: intron variant.
Genome position (GRCh38, 1-based): chr18:36,266,859, C>T. VCF-style: chr18-36266859-C-T. GRCh37 (hg19) VCF-style: chr18-33846822-C-T.
Identifiers: ClinVar variation 2426177 (VCV002426177.6), dbSNP rs747247263, ClinGen allele CA8941076.
Genomic context (GRCh38, chr18:36,266,859, plus strand): 5'-TGGGCAACGAAACCAGCATGTTTTCCAAAAACTTTCTGAGAGTCGTGAAACAAAGGTAAG[C>T]GTGATTGCAAAATATGACACCTGGTTTCCAATCCTGGTGTTATCAATACCAGAACTATGT-3'